The following is an entry in ClinVar:

ClinVar aggregate classification (germline): Pathogenic (1 of 4 stars; one submission).

Conditions:
RYR1-related disorder. Also called: RYR1-related condition; RYR1-related disorders. Identifiers: MedGen CN239331.

gnomAD v4.1: 1 of 1,613,768 alleles (0.000062%); highest among the groups gnomAD compares: Non-Finnish European, 0.000085%; no homozygotes.

Submission:

Labcorp Genetics (formerly Invitae), Labcorp
Classification: Pathogenic for RYR1-related disorder. Last evaluated: 2023-09-08. Review status: criteria provided, single submitter. Criteria: Invitae Variant Classification Sherloc (09022015). Collection method: clinical testing. Allele origin: germline.
Comment: For these reasons, this variant has been classified as Pathogenic. This variant has not been reported in the literature in individuals affected with RYR1-related conditions. This variant is not present in population databases (gnomAD no frequency). This sequence change creates a premature translational stop signal (p.Arg1258*) in the RYR1 gene. It is expected to result in an absent or disrupted protein product. Loss-of-function variants in RYR1 are known to be pathogenic (PMID: 23919265, 25960145, 28818389, 30611313).

Literature cited by the submitters: PubMed 23919265; PubMed 25960145; PubMed 28818389; PubMed 30611313.

NM_000540.3(RYR1):c.3772C>T (p.Arg1258Ter)

Gene: RYR1 (ryanodine receptor 1; plus strand). Cytogenetic location: 19q13.2.
Variant type: single nucleotide variant.
Coding change: c.3772C>T on transcript NM_000540.3 (MANE Select); coding-DNA position 3772, C replaced by T.
Protein change: p.Arg1258Ter; replaces arginine 1258 with a stop codon.
Molecular consequence: nonsense.
Genome position (GRCh38, 1-based): chr19:38,473,383, C>T. VCF-style: chr19-38473383-C-T. GRCh37 (hg19) VCF-style: chr19-38964023-C-T.
Other names: c.3772C>T, p.Arg1258Ter (NM_001042723.2); short protein forms R1258*.
Identifiers: ClinVar variation 2904229 (VCV002904229.3), dbSNP rs1276512455, ClinGen allele CA405641363.
Genomic context (GRCh38, chr19:38,473,383, plus strand): 5'-CGGCCTGGCCTAGCCCGCCTGCCCAGCCCAGTACTCCATTCCCTGCCACCTCAGGTATCC[C>T]GAGTGGACGGCACTGTGGACACGCCCCCCTGCCTGCGCCTGACCCACCGCACCTGGGGCT-3'